The following is an entry in ClinVar:

NM_000093.5(COL5A1):c.3475-5C>G

Gene: COL5A1 (collagen type V alpha 1 chain; plus strand). Cytogenetic location: 9q34.3.
Variant type: single nucleotide variant.
Coding change: c.3475-5C>G on transcript NM_000093.5 (MANE Select); 5 bases into the intron before coding-DNA position 3475, C replaced by G.
Molecular consequence: intron variant.
Genome position (GRCh38, 1-based): chr9:134,810,250, C>G. VCF-style: chr9-134810250-C-G. GRCh37 (hg19) VCF-style: chr9-137702096-C-G.
Other names: c.3475-5C>G (NM_001278074.1).
Identifiers: ClinVar variation 3628883 (VCV003628883.3).

ClinVar aggregate classification (germline): Uncertain significance. Review status: criteria provided, multiple submitters, no conflicts (2 of 4 stars). 2 submissions from 2 submitters: Uncertain significance (2). Last evaluated 2025-01-21.

Conditions:
Ehlers-Danlos syndrome, classic type, 1 (EDSCL1). Also called: EHLERS-DANLOS SYNDROME, GRAVIS TYPE; EHLERS-DANLOS SYNDROME, SEVERE CLASSIC TYPE; Ehlers-Danlos syndrome, type 1; Ehlers-Danlos Syndrome, Classic Type, COL5A1-Related; EDS I. Identifiers: MedGen C0268335, MONDO:0019567, OMIM 130000.

gnomAD v4.1: 3 of 1,614,008 alleles (0.00019%); highest among the groups gnomAD compares: Admixed American, 0.005%; no homozygotes.

Submissions (2):

3billion
Classification: Uncertain significance for Ehlers-Danlos syndrome, classic type, 1. Last evaluated: 2025-01-21. Review status: criteria provided, single submitter. Criteria: ACMG Guidelines, 2015. Collection method: clinical testing. Allele origin: germline. Affected: yes.
Comment: The variant is observed at an extremely low frequency in the gnomAD v4.1.0 dataset (total allele frequency: <0.001%). Predicted Consequence/Location: Intron variant In silico tools predict the variant to alter splicing and produce an abnormal transcript [SpliceAI: 0.28 (>=0.2, moderate evidence for spliceogenicity)]. Therefore, this variant is classified as VUS according to the recommendation of ACMG/AMP guideline.

Labcorp Genetics (formerly Invitae), Labcorp
Classification: Uncertain significance for Ehlers-Danlos syndrome, classic type, 1. Last evaluated: 2024-10-26. Review status: criteria provided, single submitter. Criteria: Invitae Variant Classification Sherloc (09022015). Collection method: clinical testing. Allele origin: germline.
Comment: This sequence change falls in intron 43 of the COL5A1 gene. It does not directly change the encoded amino acid sequence of the COL5A1 protein. This variant is present in population databases (rs746298145, gnomAD 0.006%). This variant has not been reported in the literature in individuals affected with COL5A1-related conditions. Algorithms developed to predict the effect of sequence changes on RNA splicing suggest that this variant may disrupt the consensus splice site. In summary, the available evidence is currently insufficient to determine the role of this variant in disease. Therefore, it has been classified as a Variant of Uncertain Significance.